The following is an entry in ClinVar:

ClinVar aggregate classification (germline): Uncertain significance. Review status: criteria provided, multiple submitters, no conflicts (2 of 4 stars). 2 submissions from 2 submitters: Uncertain significance (2). Last evaluated 2022-06-16.

Conditions:
Cardiovascular phenotype. Identifiers: MedGen CN230736.
Alstrom syndrome (ALMS). Identifiers: Orphanet 64, MedGen C0268425, MONDO:0008763, OMIM 203800.

Allele frequency attached by ClinVar (database versions not stated): ExAC 0.00002; 1000 Genomes Project 30x 0.00078.

Submissions (3):

Labcorp Genetics (formerly Invitae), Labcorp
Classification: Uncertain significance for Alstrom syndrome. Last evaluated: 2022-06-16. Review status: criteria provided, single submitter. Criteria: Invitae Variant Classification Sherloc (09022015). Collection method: clinical testing. Allele origin: germline.
Comment: This sequence change replaces serine, which is neutral and polar, with isoleucine, which is neutral and non-polar, at codon 1438 of the ALMS1 protein (p.Ser1438Ile). The frequency data for this variant in the population databases is considered unreliable, as metrics indicate poor data quality at this position in the gnomAD database. This variant has not been reported in the literature in individuals affected with ALMS1-related conditions. Experimental studies and prediction algorithms are not available or were not evaluated, and the functional significance of this variant is currently unknown. In summary, the available evidence is currently insufficient to determine the role of this variant in disease. Therefore, it has been classified as a Variant of Uncertain Significance.

Ambry Genetics
Classification: Uncertain significance for Cardiovascular phenotype. Last evaluated: 2020-02-19. Review status: criteria provided, single submitter. Criteria: Ambry Variant Classification Scheme 2023. Collection method: clinical testing. Allele origin: germline.
Comment: The p.S1438I variant (also known as c.4313G>T), located in coding exon 8 of the ALMS1 gene, results from a G to T substitution at nucleotide position 4313. The serine at codon 1438 is replaced by isoleucine, an amino acid with dissimilar properties. This amino acid position is poorly conserved in available vertebrate species. In addition, this alteration is predicted to be tolerated by in silico analysis. Since supporting evidence is limited at this time, the clinical significance of this alteration remains unclear.

Dr. Peter K. Rogan Lab, Western University
No classification provided (evidence only). Condition: Hepatocellular carcinoma. Review status: no classification provided. Collection method: in vitro. Allele origin: not applicable. Functional consequence: retained intron. Not counted in ClinVar's aggregate classification.

NM_001378454.1(ALMS1):c.4310G>T (p.Ser1437Ile)

Gene: ALMS1 (ALMS1 centrosome and basal body associated protein; plus strand). Cytogenetic location: 2p13.1.
Variant type: single nucleotide variant.
Coding change: c.4310G>T on transcript NM_001378454.1 (MANE Select); coding-DNA position 4310, G replaced by T.
Protein change: p.Ser1437Ile; replaces serine 1437 with isoleucine.
Molecular consequence: missense variant.
Genome position (GRCh38, 1-based): chr2:73,450,837, G>T. VCF-style: chr2-73450837-G-T. GRCh37 (hg19) VCF-style: chr2-73677964-G-T.
Other names: c.4313G>T, p.Ser1438Ile (NM_015120.4); short protein forms S1438I, S1437I.
Identifiers: ClinVar variation 1739648 (VCV001739648.5), dbSNP rs752146875, ClinGen allele CA1713685.